The following is an entry in ClinVar:

NM_138420.4(AHNAK2):c.8007G>A (p.Ala2669=)

Gene: AHNAK2 (AHNAK nucleoprotein 2; minus strand). Cytogenetic location: 14q32.33.
Variant type: single nucleotide variant.
Coding change: c.8007G>A on transcript NM_138420.4 (MANE Select); coding-DNA position 8007, G replaced by A.
Protein change: p.Ala2669=; no amino-acid change (alanine 2669 retained).
Molecular consequence: synonymous variant.
Genome position (GRCh38, 1-based): chr14:104,947,444, C>T on the plus strand (G>A on the coding strand, the complement: AHNAK2 is on the minus strand). VCF-style: chr14-104947444-C-T. GRCh37 (hg19) VCF-style: chr14-105413781-C-T.
Other names: c.7707G>A, p.Ala2569= (NM_001350929.2).
Identifiers: ClinVar variation 2644713 (VCV002644713.24), dbSNP rs148748842, ClinGen allele CA7380288.

ClinVar aggregate classification (germline): Benign (1 of 4 stars; one submission).

Allele frequency attached by ClinVar (database versions not stated): 1000 Genomes Project 30x 0.00359; ESP Exome Variant Server 0.00867; 1000 Genomes Project 0.00399; TOPMed 0.00662.
gnomAD v4.1: 17,061 of 1,609,576 alleles (1.1%); highest among the groups gnomAD compares: Non-Finnish European, 1.3%; 131 homozygotes.

Submission:

CeGaT Center for Human Genetics Tuebingen
Classification: Benign. Last evaluated: 2026-07-01. Review status: criteria provided, single submitter. Criteria: CeGaT Center For Human Genetics Tuebingen Variant Classification Criteria Version 2. Collection method: clinical testing. Allele origin: germline. Affected: yes. Observed: 7 variant alleles.
Comment: AHNAK2: BP4, BP7, BS1, BS2